The following is an entry in ClinVar:

NM_015466.4(PTPN23):c.3206T>C (p.Ile1069Thr)

Gene: PTPN23 (protein tyrosine phosphatase non-receptor type 23; plus strand). Cytogenetic location: 3p21.31.
Variant type: single nucleotide variant.
Coding change: c.3206T>C on transcript NM_015466.4 (MANE Select); coding-DNA position 3206, T replaced by C.
Protein change: p.Ile1069Thr; replaces isoleucine 1069 with threonine.
Molecular consequence: missense variant.
Genome position (GRCh38, 1-based): chr3:47,411,004, T>C. VCF-style: chr3-47411004-T-C. GRCh37 (hg19) VCF-style: chr3-47452494-T-C.
Other names: c.2828T>C, p.Ile943Thr (NM_001304482.2); short protein forms I943T, I1069T.
Identifiers: ClinVar variation 1999925 (VCV001999925.4), dbSNP rs2546252846, ClinGen allele CA352561351.

ClinVar aggregate classification (germline): Uncertain significance (1 of 4 stars; one submission).

Submission:

Labcorp Genetics (formerly Invitae), Labcorp
Classification: Uncertain significance. Last evaluated: 2022-05-28. Review status: criteria provided, single submitter. Criteria: Invitae Variant Classification Sherloc (09022015). Collection method: clinical testing. Allele origin: germline.
Comment: This sequence change replaces isoleucine, which is neutral and non-polar, with threonine, which is neutral and polar, at codon 1069 of the PTPN23 protein (p.Ile1069Thr). This variant is not present in population databases (gnomAD no frequency). This variant has not been reported in the literature in individuals affected with PTPN23-related conditions. Algorithms developed to predict the effect of missense changes on protein structure and function are either unavailable or do not agree on the potential impact of this missense change (SIFT: "Tolerated"; PolyPhen-2: "Possibly Damaging"; Align-GVGD: "Class C0"). In summary, the available evidence is currently insufficient to determine the role of this variant in disease. Therefore, it has been classified as a Variant of Uncertain Significance.